The following is an entry in ClinVar:

ClinVar aggregate classification (germline): Uncertain significance (1 of 4 stars; one submission).

Conditions:
Accelerated tumor formation, susceptibility to (ACTFS). Identifiers: MedGen C3280690, OMIM 614401, MONDO:0013733.

Allele frequency attached by ClinVar (database versions not stated): gnomAD exomes below 0.00001; ExAC 0.00001; gnomAD 0.00001; TOPMed 0.00003.
gnomAD v4.1: 4 of 1,613,346 alleles (0.00025%); highest among the groups gnomAD compares: East Asian, 0.0022%; no homozygotes.

Submission:

Labcorp Genetics (formerly Invitae), Labcorp
Classification: Uncertain significance for Accelerated tumor formation, susceptibility to. Last evaluated: 2023-08-01. Review status: criteria provided, single submitter. Criteria: Invitae Variant Classification Sherloc (09022015). Collection method: clinical testing. Allele origin: germline.
Comment: This sequence change replaces proline, which is neutral and non-polar, with serine, which is neutral and polar, at codon 437 of the MDM2 protein (p.Pro437Ser). This variant is present in population databases (rs761259297, gnomAD 0.01%). This variant has not been reported in the literature in individuals affected with MDM2-related conditions. Algorithms developed to predict the effect of missense changes on protein structure and function output the following: SIFT: "Not Available"; PolyPhen-2: "Probably Damaging"; Align-GVGD: "Not Available". The serine amino acid residue is found in multiple mammalian species, which suggests that this missense change does not adversely affect protein function. In summary, the available evidence is currently insufficient to determine the role of this variant in disease. Therefore, it has been classified as a Variant of Uncertain Significance.

NM_002392.6(MDM2):c.1309C>T (p.Pro437Ser)

Gene: MDM2 (MDM2 proto-oncogene; plus strand). Cytogenetic location: 12q15.
Variant type: single nucleotide variant.
Coding change: c.1309C>T on transcript NM_002392.6 (MANE Select); coding-DNA position 1309, C replaced by T.
Protein change: p.Pro437Ser; replaces proline 437 with serine.
Molecular consequence: missense variant.
Genome position (GRCh38, 1-based): chr12:68,839,664, C>T. VCF-style: chr12-68839664-C-T. GRCh37 (hg19) VCF-style: chr12-69233444-C-T.
Other names: c.1150C>T, p.Pro384Ser (NM_001145337.3); c.1144C>T, p.Pro382Ser (NM_001145339.2); c.703C>T, p.Pro235Ser (NM_001145340.3); c.781C>T, p.Pro261Ser (NM_001278462.2); c.1291C>T, p.Pro431Ser (NM_001367990.1); short protein forms P235S, P384S, P431S, P437S, P261S, P382S.
Identifiers: ClinVar variation 2723519 (VCV002723519.3), dbSNP rs761259297, ClinGen allele CA6678891.